The following is an entry in ClinVar:

NM_001283009.2(RTEL1):c.1666C>T (p.Leu556Phe)

Genes: RTEL1 (regulator of telomere elongation helicase 1; plus strand), RTEL1-TNFRSF6B (RTEL1-TNFRSF6B readthrough (NMD candidate); plus strand). Cytogenetic location: 20q13.33.
Variant type: single nucleotide variant.
Coding change: c.1666C>T on transcript NM_001283009.2 (MANE Select); coding-DNA position 1666, C replaced by T.
Protein change: p.Leu556Phe; replaces leucine 556 with phenylalanine.
Molecular consequence: missense variant. On other transcripts: non-coding transcript variant (1).
Genome position (GRCh38, 1-based): chr20:63,688,330, C>T. VCF-style: chr20-63688330-C-T. GRCh37 (hg19) VCF-style: chr20-62319683-C-T.
Other names: c.997C>T, p.Leu333Phe (NM_001283010.1); c.1666C>T, p.Leu556Phe (NM_016434.4); c.1738C>T, p.Leu580Phe (NM_032957.5); short protein forms L333F, L556F, L580F.
Identifiers: ClinVar variation 4791062 (VCV004791062.1).
Genomic context (GRCh38, chr20:63,688,330, plus strand): 5'-CCTGCCTTGACCCCGGCCCCTGCACTTCCAGGCAACATCGCCCGCGTGGTGCCCTATGGG[C>T]TCCTGATCTTCTTCCCTTCCTATCCTGTCATGGAGAAGAGCCTGGAGTTCTGGCGGGTGC-3'
Protein context (NP_001269938.1, residues 546-566): GNIARVVPYG[Leu556Phe]LIFFPSYPVM

ClinVar aggregate classification (germline): Uncertain significance (1 of 4 stars; one submission).

Conditions:
Dyskeratosis congenita, autosomal recessive 5 (DKCB5). Identifiers: MedGen C3554656, MONDO:0014076, OMIM 615190.
Pulmonary fibrosis and/or bone marrow failure, Telomere-related, 3. Also called: PULMONARY FIBROSIS AND/OR BONE MARROW FAILURE SYNDROME, TELOMERE-RELATED, 3. Identifiers: Orphanet 2032, MedGen C4225346, MONDO:0014613, OMIM 616373.

Submission:

Labcorp Genetics (formerly Invitae), Labcorp
Classification: Uncertain significance for Dyskeratosis congenita, autosomal recessive 5; Pulmonary fibrosis and/or bone marrow failure, Telomere-related, 3. Last evaluated: 2025-06-03. Review status: criteria provided, single submitter. Criteria: Invitae Variant Classification Sherloc (09022015). Collection method: clinical testing. Allele origin: germline.
Comment: This sequence change replaces leucine, which is neutral and non-polar, with phenylalanine, which is neutral and non-polar, at codon 556 of the RTEL1 protein (p.Leu556Phe). This variant is not present in population databases (gnomAD no frequency). This variant has not been reported in the literature in individuals affected with RTEL1-related conditions. An algorithm developed to predict the effect of missense changes on protein structure and function (PolyPhen-2) suggests that this variant is likely to be disruptive. In summary, the available evidence is currently insufficient to determine the role of this variant in disease. Therefore, it has been classified as a Variant of Uncertain Significance.